The following is an entry in ClinVar:

NM_000179.3(MSH6):c.3257C>G (p.Pro1086Arg)

Gene: MSH6 (mutS homolog 6; plus strand). Cytogenetic location: 2p16.3.
Variant type: single nucleotide variant.
Coding change: c.3257C>G on transcript NM_000179.3 (MANE Select); coding-DNA position 3257, C replaced by G.
Protein change: p.Pro1086Arg; replaces proline 1086 with arginine.
Molecular consequence: missense variant.
Genome position (GRCh38, 1-based): chr2:47,803,504, C>G. VCF-style: chr2-47803504-C-G. GRCh37 (hg19) VCF-style: chr2-48030643-C-G.
Other names: c.2867C>G, p.Pro956Arg (NM_001281492.2); c.2351C>G, p.Pro784Arg (NM_001281493.2, NM_001281494.2); short protein forms P1086R, P784R, P956R.
Identifiers: ClinVar variation 230897 (VCV000230897.16), dbSNP rs780345806, ClinGen allele CA070524.
Genomic context (GRCh38, chr2:47,803,504, plus strand): 5'-ATAGTCGAGGGGGTGATGGTCCTATGTGTCGCCCAGTAATTCTGTTGCCGGAAGATACCC[C>G]CCCCTTCTTAGAGCTTAAAGGATCACGCCATCCTTGCATTACGAAGACTTTTTTTGGAGA-3'
Protein context (NP_000170.1, residues 1076-1096): RPVILLPEDT[Pro1086Arg]PFLELKGSRH

ClinVar aggregate classification (germline): Conflicting classifications of pathogenicity. Review status: criteria provided, conflicting classifications (1 of 4 stars). 4 submissions from 4 submitters: Uncertain significance (3); Likely benign (1). Last evaluated 2025-12-10.

Conditions:
Lynch syndrome. Identifiers: Orphanet 144, MedGen C4552100, MONDO:0005835. Disease mechanism: loss of function.
Hereditary nonpolyposis colorectal neoplasms. Identifiers: MedGen C0009405, MeSH D003123.
Hereditary cancer-predisposing syndrome. Also called: Neoplastic Syndromes, Hereditary; Tumor predisposition; Hereditary Cancer Syndrome; Hereditary neoplastic syndrome. Identifiers: Orphanet 140162, MedGen C0027672, MeSH D009386, MONDO:0015356.

gnomAD v4.1: 1 of 1,614,126 alleles (0.000062%); highest among the groups gnomAD compares: Non-Finnish European, 0.000085%; no homozygotes.

Submissions (4):

Labcorp Genetics (formerly Invitae), Labcorp
Classification: Likely benign for Hereditary nonpolyposis colorectal neoplasms. Last evaluated: 2025-12-10. Review status: criteria provided, single submitter. Criteria: Invitae Variant Classification Sherloc (09022015). Collection method: clinical testing. Allele origin: germline.

Ambry Genetics
Classification: Uncertain significance for Hereditary cancer-predisposing syndrome. Last evaluated: 2024-10-15. Review status: criteria provided, single submitter. Criteria: Ambry Variant Classification Scheme 2023. Collection method: clinical testing. Allele origin: germline.
Comment: The p.P1086R variant (also known as c.3257C>G), located in coding exon 5 of the MSH6 gene, results from a C to G substitution at nucleotide position 3257. The proline at codon 1086 is replaced by arginine, an amino acid with dissimilar properties. This amino acid position is poorly conserved in available vertebrate species. In addition, this alteration is predicted to be tolerated by in silico analysis. Since supporting evidence is limited at this time, the clinical significance of this alteration remains unclear.

All of Us Research Program, National Institutes of Health
Classification: Uncertain significance for Lynch syndrome. Last evaluated: 2023-05-31. Review status: criteria provided, single submitter. Criteria: ACMG Guidelines, 2015. Collection method: clinical testing. Allele origin: germline. Inheritance: Autosomal dominant inheritance. Observed: 2 variant alleles, 2 heterozygotes.
Comment: This missense variant replaces proline with arginine at codon 1086 of the MSH6 protein. Computational prediction suggests that this variant may not impact protein structure and function (internally defined REVEL score threshold <= 0.5, PMID: 27666373). To our knowledge, functional studies have not been reported for this variant. This variant has not been reported in individuals affected with MSH6-related disorders in the literature. This variant has been identified in 1/251436 chromosomes in the general population by the Genome Aggregation Database (gnomAD). The available evidence is insufficient to determine the role of this variant in disease conclusively. Therefore, this variant is classified as a Variant of Uncertain Significance.

This study involves interpretation of variants in research participants for the purpose of population health screening. Participant phenotype was not available at the time of variant classification. Additional details can be found in publication PMID: 35346344, PMCID: PMC8962531

Color Diagnostics, LLC DBA Color Health
Classification: Uncertain significance for Hereditary cancer-predisposing syndrome. Last evaluated: 2023-04-05. Review status: criteria provided, single submitter. Criteria: ACMG Guidelines, 2015. Collection method: clinical testing. Allele origin: germline.
Comment: This missense variant replaces proline with arginine at codon 1086 of the MSH6 protein. Computational prediction suggests that this variant may not impact protein structure and function (internally defined REVEL score threshold <= 0.5, PMID: 27666373). To our knowledge, functional studies have not been reported for this variant. This variant has not been reported in individuals affected with MSH6-related disorders in the literature. This variant has been identified in 1/251436 chromosomes in the general population by the Genome Aggregation Database (gnomAD). The available evidence is insufficient to determine the role of this variant in disease conclusively. Therefore, this variant is classified as a Variant of Uncertain Significance.